The following is an entry in ClinVar:

ClinVar aggregate classification (germline): Uncertain significance (1 of 4 stars; one submission).

Submission:

Ambry Genetics
Classification: Uncertain significance. Last evaluated: 2025-03-20. Review status: criteria provided, single submitter. Criteria: Ambry Variant Classification Scheme 2023. Collection method: clinical testing. Allele origin: germline.
Comment: The p.H863Y variant (also known as c.2587C>T), located in coding exon 11 of the WNK2 gene, results from a C to T substitution at nucleotide position 2587. The histidine at codon 863 is replaced by tyrosine, an amino acid with similar properties. This amino acid position is conserved. In addition, this alteration is predicted to be tolerated by in silico analysis. Based on the available evidence, the clinical significance of this variant remains unclear.

NM_006648.4(WNK2):c.2587C>T (p.His863Tyr)

Gene: WNK2 (WNK lysine deficient protein kinase 2; plus strand). Cytogenetic location: 9q22.31.
Variant type: single nucleotide variant.
Coding change: c.2587C>T on transcript NM_006648.4 (MANE Select); coding-DNA position 2587, C replaced by T.
Protein change: p.His863Tyr; replaces histidine 863 with tyrosine.
Molecular consequence: missense variant.
Genome position (GRCh38, 1-based): chr9:93,259,135, C>T. VCF-style: chr9-93259135-C-T. GRCh37 (hg19) VCF-style: chr9-96021417-C-T.
Other names: c.2587C>T, p.His863Tyr (NM_001282394.3); short protein forms H863Y.
Identifiers: ClinVar variation 3981676 (VCV003981676.1).